The following is an entry in ClinVar:

ClinVar aggregate classification (germline): Benign. Review status: criteria provided, multiple submitters, no conflicts (2 of 4 stars). 2 submissions from 2 submitters: Benign (2). Last evaluated 2018-06-14.

Allele frequency attached by ClinVar (database versions not stated): 1000 Genomes Project 0.04393; 1000 Genomes Project 30x 0.04482; TOPMed 0.04981; gnomAD 0.05013 and 0.05180.
gnomAD v4.1: 7,630 of 152,122 alleles (5%); highest among the groups gnomAD compares: African/African-American, 8.4%; 233 homozygotes.

Submissions (2):

GeneDx
Classification: Benign. Last evaluated: 2018-06-14. Review status: criteria provided, single submitter. Criteria: GeneDx Variant Classification (06012015). Collection method: clinical testing. Allele origin: germline. Affected: yes.
Comment: This variant is considered likely benign or benign based on one or more of the following criteria: it is a conservative change, it occurs at a poorly conserved position in the protein, it is predicted to be benign by multiple in silico algorithms, and/or has population frequency not consistent with disease.

Breakthrough Genomics
Classification: Benign. Review status: criteria provided, single submitter. Criteria: ACMG Guidelines, 2015. Collection method: not provided. Allele origin: germline. Inheritance: Autosomal dominant inheritance. Affected: yes.

NM_058246.4(DNAJB6):c.-26-218C>T

Gene: DNAJB6 (DnaJ heat shock protein family (Hsp40) member B6; plus strand). Cytogenetic location: 7q36.3.
Variant type: single nucleotide variant.
Coding change: c.-26-218C>T on transcript NM_058246.4 (MANE Select); 218 bases into the intron before 26 bases upstream of the start codon, C replaced by T.
Molecular consequence: intron variant.
Genome position (GRCh38, 1-based): chr7:157,358,329, C>T. VCF-style: chr7-157358329-C-T. GRCh37 (hg19) VCF-style: chr7-157151023-C-T.
Other names: c.-26-218C>T (NM_001363676.1, NM_005494.3).
Identifiers: ClinVar variation 679289 (VCV000679289.2), dbSNP rs58604246, ClinGen allele CA169846420.